The following is an entry in ClinVar:

NM_000535.7(PMS2):c.319del (p.Arg107fs)

Gene: PMS2 (PMS1 homolog 2, mismatch repair system component; minus strand). Cytogenetic location: 7p22.1.
Variant type: Deletion.
Coding change: c.319del on transcript NM_000535.7 (MANE Select); coding-DNA position 319, one base deleted (C; older notation c.319delC).
Protein change: p.Arg107fs; shifts the reading frame from arginine 107.
Molecular consequence: frameshift variant. On other transcripts: 5 prime UTR variant (9), non-coding transcript variant (1), intron variant (2).
Genome position (GRCh38, 1-based): chr7:6,003,724, G deleted on the plus strand (C on the coding strand, the reverse complement: PMS2 is on the minus strand). VCF-style (leftmost placement, unchanged base first): chr7-6003723-CG-C. GRCh37 (hg19) VCF-style: chr7-6043354-CG-C.
Other names: c.-87delC (NM_001018040.1, NM_001406887.1, NM_001406891.1 and 8 more transcripts); c.-87del (NM_001322003.2, NM_001322004.2, NM_001322005.2 and 3 more transcripts); c.319del, p.Arg107fs (NM_001322006.2, NM_001322014.2); c.-566del (NM_001322011.2, NM_001322012.2); c.-166del (NM_001322015.2); c.505delC, p.Arg169Glyfs (NM_001406866.1); c.343delC, p.Arg115Glyfs (NM_001406868.1); c.319delC, p.Arg107Glyfs (NM_001406869.1, NM_001406870.1, NM_001406871.1 and 6 more transcripts); and 3 more; short protein forms R107fs.
Identifiers: ClinVar variation 1728764 (VCV001728764.2), dbSNP rs2536496563, ClinGen allele CA2580077018.
Genomic context (GRCh38, chr7:6,003,723, plus strand): 5'-AGTGAGTGGATAAAAATATTGTATCACCTCAGTGCACAAAGTGAGCTCAGAGCTTCCCCC[CG>C]AAAGCCAAAAGTTTCAACCTGAGTTAGGTCGGCAAACTCTTGAATCTTAGATGTGTGATG-3'

ClinVar aggregate classification (germline): Pathogenic (1 of 4 stars; one submission).

Conditions:
Hereditary cancer-predisposing syndrome. Also called: Tumor predisposition; Neoplastic Syndromes, Hereditary; Hereditary Cancer Syndrome; Hereditary neoplastic syndrome. Identifiers: Orphanet 140162, MedGen C0027672, MeSH D009386, MONDO:0015356.

Submission:

Ambry Genetics
Classification: Pathogenic for Hereditary cancer-predisposing syndrome. Last evaluated: 2018-12-14. Review status: criteria provided, single submitter. Criteria: Ambry Variant Classification Scheme 2023. Collection method: clinical testing. Allele origin: germline.
Comment: The c.319delC pathogenic mutation, located in coding exon 4 of the PMS2 gene, results from a deletion of one nucleotide at nucleotide position 319, causing a translational frameshift with a predicted alternate stop codon (p.R107Gfs*5). This alteration is expected to result in loss of function by premature protein truncation or nonsense-mediated mRNA decay. As such, this alteration is interpreted as a disease-causing mutation.